The following is an entry in ClinVar:

NM_001012339.3(DNAJC21):c.574C>T (p.Arg192Trp)

Gene: DNAJC21 (DnaJ heat shock protein family (Hsp40) member C21; plus strand). Cytogenetic location: 5p13.2.
Variant type: single nucleotide variant.
Coding change: c.574C>T on transcript NM_001012339.3 (MANE Select); coding-DNA position 574, C replaced by T.
Protein change: p.Arg192Trp; replaces arginine 192 with tryptophan.
Molecular consequence: missense variant.
Genome position (GRCh38, 1-based): chr5:34,937,461, C>T. VCF-style: chr5-34937461-C-T. GRCh37 (hg19) VCF-style: chr5-34937566-C-T.
Other names: c.574C>T, p.Arg192Trp (NM_001348420.2, NM_194283.4); short protein forms R192W.
Identifiers: ClinVar variation 1417507 (VCV001417507.6), dbSNP rs1477361660, ClinGen allele CA359414957.

ClinVar aggregate classification (germline): Uncertain significance (1 of 4 stars; one submission).

Allele frequency attached by ClinVar (database versions not stated): TOPMed below 0.00001; gnomAD 0.00001; gnomAD exomes 0.00001.
gnomAD v4.1: 14 of 1,613,962 alleles (0.00087%); highest among the groups gnomAD compares: African/African-American, 0.0027%; no homozygotes.

Submission:

Labcorp Genetics (formerly Invitae), Labcorp
Classification: Uncertain significance. Last evaluated: 2022-02-18. Review status: criteria provided, single submitter. Criteria: Invitae Variant Classification Sherloc (09022015). Collection method: clinical testing. Allele origin: germline.
Comment: In summary, the available evidence is currently insufficient to determine the role of this variant in disease. Therefore, it has been classified as a Variant of Uncertain Significance. Algorithms developed to predict the effect of missense changes on protein structure and function are either unavailable or do not agree on the potential impact of this missense change (SIFT: "Deleterious"; PolyPhen-2: "Probably Damaging"; Align-GVGD: "Class C0"). This variant has not been reported in the literature in individuals affected with DNAJC21-related conditions. This variant is present in population databases (no rsID available, gnomAD 0.003%). This sequence change replaces arginine, which is basic and polar, with tryptophan, which is neutral and slightly polar, at codon 192 of the DNAJC21 protein (p.Arg192Trp).